The following is an entry in ClinVar:

ClinVar aggregate classification (germline): Uncertain significance. Review status: criteria provided, multiple submitters, no conflicts (2 of 4 stars). 2 submissions from 2 submitters: Uncertain significance (2). Last evaluated 2025-10-14.

Conditions:
Hereditary cancer-predisposing syndrome. Also called: Neoplastic Syndromes, Hereditary; Hereditary Cancer Syndrome; Tumor predisposition; Hereditary neoplastic syndrome. Identifiers: Orphanet 140162, MedGen C0027672, MeSH D009386, MONDO:0015356.

Allele frequency attached by ClinVar (database versions not stated): gnomAD exomes below 0.00001.
gnomAD v4.1: 1 of 1,613,816 alleles (0.000062%); highest among the groups gnomAD compares: South Asian, 0.0011%; no homozygotes.

Submissions (2):

Ambry Genetics
Classification: Uncertain significance for Hereditary cancer-predisposing syndrome. Last evaluated: 2025-10-14. Review status: criteria provided, single submitter. Criteria: Ambry Variant Classification Scheme 2023. Collection method: clinical testing. Allele origin: germline.
Comment: The p.S10F variant (also known as c.29C>T), located in coding exon 1 of the XRCC2 gene, results from a C to T substitution at nucleotide position 29. The serine at codon 10 is replaced by phenylalanine, an amino acid with highly dissimilar properties. This amino acid position is highly conserved in available vertebrate species. In addition, the in silico prediction for this alteration is inconclusive. Since supporting evidence is limited at this time, the clinical significance of this alteration remains unclear.

Labcorp Genetics (formerly Invitae), Labcorp
Classification: Uncertain significance. Last evaluated: 2019-07-10. Review status: criteria provided, single submitter. Criteria: Invitae Variant Classification Sherloc (09022015). Collection method: clinical testing. Allele origin: germline.
Comment: In summary, the available evidence is currently insufficient to determine the role of this variant in disease. Therefore, it has been classified as a Variant of Uncertain Significance. Algorithms developed to predict the effect of missense changes on protein structure and function are either unavailable or do not agree on the potential impact of this missense change (SIFT: "Deleterious"; PolyPhen-2: "Benign"; Align-GVGD: "Class C0"). This variant has not been reported in the literature in individuals with XRCC2-related conditions. This variant is not present in population databases (ExAC no frequency). This sequence change replaces serine with phenylalanine at codon 10 of the XRCC2 protein (p.Ser10Phe). The serine residue is moderately conserved and there is a large physicochemical difference between serine and phenylalanine.

NM_005431.2(XRCC2):c.29C>T (p.Ser10Phe)

Gene: XRCC2 (X-ray repair cross complementing 2; minus strand). Cytogenetic location: 7q36.1.
Variant type: single nucleotide variant.
Coding change: c.29C>T on transcript NM_005431.2 (MANE Select); coding-DNA position 29, C replaced by T.
Protein change: p.Ser10Phe; replaces serine 10 with phenylalanine.
Molecular consequence: missense variant.
Genome position (GRCh38, 1-based): chr7:152,676,051, G>A on the plus strand (C>T on the coding strand, the complement: XRCC2 is on the minus strand). VCF-style: chr7-152676051-G-A. GRCh37 (hg19) VCF-style: chr7-152373136-G-A.
Other names: short protein forms S10F.
Identifiers: ClinVar variation 943484 (VCV000943484.13), dbSNP rs2098040936, ClinGen allele CA370199587.